The following is an entry in ClinVar:

ClinVar aggregate classification (germline): Conflicting classifications of pathogenicity. Review status: criteria provided, conflicting classifications (1 of 4 stars). 4 submissions from 4 submitters: Uncertain significance (2); Likely benign (2). Last evaluated 2025-08-26.

Conditions:
Imerslund-Grasbeck syndrome. Also called: ENTEROCYTE COBALAMIN MALABSORPTION; ENTEROCYTE INTRINSIC FACTOR RECEPTOR, DEFECT OF; PERNICIOUS ANEMIA, JUVENILE, DUE TO SELECTIVE INTESTINAL MALABSORPTION OF VITAMIN B12, WITH PROTEINURIA; Imerslund-Gräsbeck syndrome; Megaloblastic anemia due to inborn errors of metabolism. Identifiers: Orphanet 35858, MedGen C4551825, MONDO:0009853.
Proteinuria, chronic benign. Identifiers: MedGen C5394384, MONDO:0030042, OMIM 618884.
Imerslund-Grasbeck syndrome type 1 (IGS1). Also called: Megaloblastic anemia 1, Finnish type; MEGALOBLASTIC ANEMIA, 1; Imerslund-Gräsbeck syndrome 1. Identifiers: MedGen C4016819, MONDO:0100156, OMIM 261100.
Inborn genetic diseases. Identifiers: MedGen C0950123, MeSH D030342.

Allele frequency attached by ClinVar (database versions not stated): ESP Exome Variant Server 0.00008; TOPMed 0.00008; ExAC 0.00009; gnomAD 0.00009; gnomAD exomes 0.00010.
gnomAD v4.1: 152 of 1,614,008 alleles (0.0094%); highest among the groups gnomAD compares: Non-Finnish European, 0.012%; no homozygotes.

Submissions (4):

Ambry Genetics
Classification: Likely benign for Inborn genetic diseases. Last evaluated: 2025-08-26. Review status: criteria provided, single submitter. Criteria: Ambry Variant Classification Scheme 2023. Collection method: clinical testing. Allele origin: germline.

Blueprint Genetics
Classification: Likely benign. Last evaluated: 2024-10-07. Review status: criteria provided, single submitter. Criteria: ACMG Guidelines, 2015. Collection method: clinical testing. Allele origin: germline.

Fulgent Genetics
Classification: Uncertain significance for Imerslund-Grasbeck syndrome type 1; Proteinuria, chronic benign. Last evaluated: 2024-04-24. Review status: criteria provided, single submitter. Criteria: ACMG Guidelines, 2015. Collection method: clinical testing. Allele origin: germline.

Labcorp Genetics (formerly Invitae), Labcorp
Classification: Uncertain significance for Imerslund-Grasbeck syndrome. Last evaluated: 2022-10-17. Review status: criteria provided, single submitter. Criteria: Invitae Variant Classification Sherloc (09022015). Collection method: clinical testing. Allele origin: germline.
Comment: This sequence change replaces isoleucine, which is neutral and non-polar, with valine, which is neutral and non-polar, at codon 3047 of the CUBN protein (p.Ile3047Val). This variant is present in population databases (rs376118603, gnomAD 0.02%). This variant has not been reported in the literature in individuals affected with CUBN-related conditions. ClinVar contains an entry for this variant (Variation ID: 850065). Advanced modeling of protein sequence and biophysical properties (such as structural, functional, and spatial information, amino acid conservation, physicochemical variation, residue mobility, and thermodynamic stability) performed at Invitae indicates that this missense variant is not expected to disrupt CUBN protein function. In summary, the available evidence is currently insufficient to determine the role of this variant in disease. Therefore, it has been classified as a Variant of Uncertain Significance.

NM_001081.4(CUBN):c.9139A>G (p.Ile3047Val)

Gene: CUBN (cubilin; minus strand). Cytogenetic location: 10p13.
Variant type: single nucleotide variant.
Coding change: c.9139A>G on transcript NM_001081.4 (MANE Select); coding-DNA position 9139, A replaced by G.
Protein change: p.Ile3047Val; replaces isoleucine 3047 with valine.
Molecular consequence: missense variant.
Genome position (GRCh38, 1-based): chr10:16,874,471, T>C on the plus strand (A>G on the coding strand, the complement: CUBN is on the minus strand). VCF-style: chr10-16874471-T-C. GRCh37 (hg19) VCF-style: chr10-16916470-T-C.
Other names: short protein forms I3047V.
Identifiers: ClinVar variation 850065 (VCV000850065.8), dbSNP rs376118603, ClinGen allele CA5422797.